The following is an entry in ClinVar:

NM_030650.3(LNPK):c.1136T>G (p.Val379Gly)

Gene: LNPK (lunapark, ER junction formation factor; minus strand). Cytogenetic location: 2q31.1.
Variant type: single nucleotide variant.
Coding change: c.1136T>G on transcript NM_030650.3 (MANE Select); coding-DNA position 1136, T replaced by G.
Protein change: p.Val379Gly; replaces valine 379 with glycine.
Molecular consequence: missense variant. On other transcripts: non-coding transcript variant (1).
Genome position (GRCh38, 1-based): chr2:175,930,118, A>C on the plus strand (T>G on the coding strand, the complement: LNPK is on the minus strand). VCF-style: chr2-175930118-A-C. GRCh37 (hg19) VCF-style: chr2-176794846-A-C.
Other names: c.1334T>G, p.Val445Gly (NM_001305008.1); c.1229T>G, p.Val410Gly (NM_001305009.1); c.1142T>G, p.Val381Gly (NM_001305010.1); c.767T>G, p.Val256Gly (NM_001305011.2); short protein forms V256G, V379G, V381G, V410G, V445G.
Identifiers: ClinVar variation 2651551 (VCV002651551.25), dbSNP rs138584031, ClinGen allele CA1975797.
Genomic context (GRCh38, chr2:175,930,118, plus strand): 5'-TCCTCATTCTCAGTCTCTTGTTTCTCCTCTGGTTCCTCTGAGTCAGATGCTTTTTCAATC[A>C]CTTGGTTTGTCTGTTCTGTAGCTGGTATTTTGTCATCTGTCTGCTCTGTATTATCATCAA-3'
Protein context (NP_085153.1, residues 369-389): KIPATEQTNQ[Val379Gly]IEKASDSEEP

ClinVar aggregate classification (germline): Likely benign. Review status: criteria provided, multiple submitters, no conflicts (2 of 4 stars). 2 submissions from 2 submitters: Likely benign (2). Last evaluated 2024-12-01.

Allele frequency attached by ClinVar (database versions not stated): ExAC 0.00101; 1000 Genomes Project 0.00180; 1000 Genomes Project 30x 0.00203; gnomAD 0.00241; ESP Exome Variant Server 0.00269; TOPMed 0.00280.
gnomAD v4.1: 885 of 1,613,802 alleles (0.055%); highest among the groups gnomAD compares: African/African-American, 0.81%; 6 homozygotes.

Submissions (2):

CeGaT Center for Human Genetics Tuebingen
Classification: Likely benign. Last evaluated: 2024-12-01. Review status: criteria provided, single submitter. Criteria: CeGaT Center For Human Genetics Tuebingen Variant Classification Criteria Version 2. Collection method: clinical testing. Allele origin: germline. Affected: yes. Observed: 6 variant alleles.
Comment: LNPK: BP4, BS2

Blueprint Genetics
Classification: Likely benign. Last evaluated: 2024-10-14. Review status: criteria provided, single submitter. Criteria: ACMG Guidelines, 2015. Collection method: clinical testing. Allele origin: germline.